The following is an entry in ClinVar:

NM_001347721.2(DYRK1A):c.1644+58A>G

Gene: DYRK1A (dual specificity tyrosine phosphorylation regulated kinase 1A; plus strand). Cytogenetic location: 21q22.13.
Variant type: single nucleotide variant.
Coding change: c.1644+58A>G on transcript NM_001347721.2 (MANE Select); 58 bases into the intron after coding-DNA position 1644, A replaced by G.
Molecular consequence: intron variant. On other transcripts: missense variant (1).
Genome position (GRCh38, 1-based): chr21:37,506,281, A>G. VCF-style: chr21-37506281-A-G. GRCh37 (hg19) VCF-style: chr21-38878584-A-G.
Other names: c.1729A>G, p.Thr577Ala (NM_101395.2); c.1671+58A>G (NM_001396.5); c.1644+58A>G (NM_001347722.2, NM_130436.2); c.1557+58A>G (NM_001347723.2); c.1546+692A>G (NM_130438.2); short protein forms T577A.
Identifiers: ClinVar variation 2634465 (VCV002634465.2), dbSNP rs1449485150, ClinGen allele CA409939177.
Genomic context (GRCh38, chr21:37,506,281, plus strand): 5'-CAGGTGAGCTCGCACGTGGTTCATTTGCTTGTGTCACCTGCCATTCTCAGGTGGAGCAGC[A>G]CTGGATGCCAGGTGCCTTTAGAATGACCGTATCATTTACCCTAGAGGTTCATGACGTTCC-3'

ClinVar aggregate classification (germline): Uncertain significance (1 of 4 stars; one submission).

Conditions:
DYRK1A-related disorder.

Allele frequency attached by ClinVar (database versions not stated): gnomAD exomes below 0.00001; gnomAD 0.00001; TOPMed 0.00001.
gnomAD v4.1: 2 of 1,613,462 alleles (0.00012%); highest among the groups gnomAD compares: African/African-American, 0.0013%; no homozygotes.

Submission:

PreventionGenetics, part of Exact Sciences
Classification: Uncertain significance for DYRK1A-related condition. Last evaluated: 2024-11-04. Review status: criteria provided, single submitter. Criteria: ACMG Guidelines, 2015. Collection method: clinical testing. Allele origin: germline.
Comment: The DYRK1A c.1729A>G variant is predicted to result in the amino acid substitution p.Thr577Ala. To our knowledge, this variant has not been reported in the literature or in a large population database, indicating this variant is rare. At this time, the clinical significance of this variant is uncertain due to the absence of conclusive functional and genetic evidence.